The following is an entry in ClinVar:

ClinVar aggregate classification (germline): Benign. Review status: criteria provided, multiple submitters, no conflicts (2 of 4 stars). 2 submissions from 2 submitters: Benign (2). Last evaluated 2021-06-20.

Conditions:
Pituitary hormone deficiency, combined, 1 (CPHD1). Also called: Pituitary hormone deficiency, combined or isolated, 1. Identifiers: MedGen C2751608, MONDO:0024464, OMIM 613038.

Allele frequency attached by ClinVar (database versions not stated): 1000 Genomes Project 0.02196; TOPMed 0.02311; 1000 Genomes Project 30x 0.02358.
gnomAD v4.1: 4,203 of 720,706 alleles (0.58%); highest among the groups gnomAD compares: African/African-American, 6.6%; 132 homozygotes.

Submissions (2):

GeneDx
Classification: Benign. Last evaluated: 2021-06-20. Review status: criteria provided, single submitter. Criteria: GeneDx Variant Classification Process June 2021. Collection method: clinical testing. Allele origin: germline. Affected: yes.

Illumina Laboratory Services, Illumina
Classification: Benign for Pituitary hormone deficiency, combined, 1. Last evaluated: 2018-01-13. Review status: criteria provided, single submitter. Criteria: ICSL Variant Classification Criteria 13 December 2019. Collection method: clinical testing. Allele origin: germline.
Comment: This variant was observed in the ICSL laboratory as part of a predisposition screen in an ostensibly healthy population. It had not been previously curated by ICSL or reported in the Human Gene Mutation Database (HGMD: prior to June 1st, 2018), and was therefore a candidate for classification through an automated scoring system. Utilizing variant allele frequency, disease prevalence and penetrance estimates, and inheritance mode, an automated score was calculated to assess if this variant is too frequent to cause the disease. Based on the score and internal cut-off values, a variant classified as benign is not then subjected to further curation. The score for this variant resulted in a classification of benign for this disease.

NM_000306.4(POU1F1):c.*138T>A

Gene: POU1F1 (POU class 1 homeobox 1; minus strand). Cytogenetic location: 3p11.2.
Variant type: single nucleotide variant.
Coding change: c.*138T>A on transcript NM_000306.4 (MANE Select); 138 bases downstream of the stop codon, T replaced by A.
Molecular consequence: 3 prime UTR variant.
Genome position (GRCh38, 1-based): chr3:87,259,756, A>T on the plus strand (T>A on the coding strand, the complement: POU1F1 is on the minus strand). VCF-style: chr3-87259756-A-T. GRCh37 (hg19) VCF-style: chr3-87308906-A-T.
Other names: c.*138T>A (NM_001122757.3).
Identifiers: ClinVar variation 346837 (VCV000346837.8), dbSNP rs190287993, ClinGen allele CA10616756.